The following is an entry in ClinVar:

ClinVar aggregate classification (germline): Pathogenic (1 of 4 stars; one submission).

Submission:

ARUP Laboratories, Molecular Genetics and Genomics, ARUP Laboratories
Classification: Pathogenic. Last evaluated: 2025-07-03. Review status: criteria provided, single submitter. Criteria: ARUP Molecular Germline Variant Investigation Process 2024. Collection method: clinical testing. Allele origin: germline.
Comment: The VWF c.6298dup; p.Asp2100GlyfsTer50 variant (rs1252797944), to our knowledge, is not reported in the medical literature or gene specific databases. This variant is also absent from the Genome Aggregation Database (v2.1.1), indicating it is not a common polymorphism. This variant causes a frameshift by inserting a single nucleotide, so it is predicted to result in a truncated protein or mRNA subject to nonsense-mediated decay. Based on available information, this variant is considered to be pathogenic.

NM_000552.5(VWF):c.6298dup (p.Asp2100fs)

Gene: VWF (von Willebrand factor; minus strand). Cytogenetic location: 12p13.31.
Variant type: Duplication.
Coding change: c.6298dup on transcript NM_000552.5 (MANE Select); coding-DNA position 6298, one base duplicated (G; older notation c.6298dupG).
Protein change: p.Asp2100fs; shifts the reading frame from aspartic acid 2100.
Molecular consequence: frameshift variant.
Genome position (GRCh38, 1-based): chr12:5,994,162, C duplicated on the plus strand (G on the coding strand, the reverse complement: VWF is on the minus strand); the first of 3 consecutive C bases (chr12:5,994,162-5,994,164); duplicating any one gives the same sequence. VCF-style (leftmost placement, unchanged base first): chr12-5994161-T-TC. GRCh37 (hg19) VCF-style: chr12-6103327-T-TC.
Other names: short protein forms D2100fs.
Identifiers: ClinVar variation 4685936 (VCV004685936.1).